The following is an entry in ClinVar:

NM_006206.6(PDGFRA):c.3163A>G (p.Ser1055Gly)

Gene: PDGFRA (platelet derived growth factor receptor alpha; plus strand). Cytogenetic location: 4q12.
Variant type: single nucleotide variant.
Coding change: c.3163A>G on transcript NM_006206.6 (MANE Select); coding-DNA position 3163, A replaced by G.
Protein change: p.Ser1055Gly; replaces serine 1055 with glycine.
Molecular consequence: missense variant.
Genome position (GRCh38, 1-based): chr4:54,295,165, A>G. VCF-style: chr4-54295165-A-G. GRCh37 (hg19) VCF-style: chr4-55161332-A-G.
Other names: c.3238A>G, p.Ser1080Gly (NM_001347828.2); c.3163A>G, p.Ser1055Gly (NM_001347829.2); c.3202A>G, p.Ser1068Gly (NM_001347830.2); short protein forms S1055G, S1068G, S1080G.
Identifiers: ClinVar variation 4803382 (VCV004803382.1).

ClinVar aggregate classification (germline): Uncertain significance (1 of 4 stars; one submission).

Conditions:
Gastrointestinal stromal tumor. Also called: Gastrointestinal stroma tumor; Gastrointestinal stromal tumor, somatic. Identifiers: Orphanet 44890, MedGen C0238198, MeSH D046152, MONDO:0011719, OMIM 606764, HP:0100723.

Submission:

Labcorp Genetics (formerly Invitae), Labcorp
Classification: Uncertain significance for Gastrointestinal stromal tumor. Last evaluated: 2026-01-05. Review status: criteria provided, single submitter. Criteria: Invitae Variant Classification Sherloc (09022015). Collection method: clinical testing. Allele origin: germline.
Comment: This sequence change replaces serine, which is neutral and polar, with glycine, which is neutral and non-polar, at codon 1055 of the PDGFRA protein (p.Ser1055Gly). This variant is not present in population databases (gnomAD no frequency). This variant has not been reported in the literature in individuals affected with PDGFRA-related conditions. Invitae Evidence Modeling of protein sequence and biophysical properties (such as structural, functional, and spatial information, amino acid conservation, physicochemical variation, residue mobility, and thermodynamic stability) has been performed for this missense variant. However, the output from this modeling did not meet the statistical confidence thresholds required to predict the impact of this variant on PDGFRA protein function. In summary, the available evidence is currently insufficient to determine the role of this variant in disease. Therefore, it has been classified as a Variant of Uncertain Significance.